The following is an entry in ClinVar:

NM_000038.6(APC):c.7716A>T (p.Ser2572=)

Gene: APC (APC regulator of Wnt signaling pathway; plus strand). Cytogenetic location: 5q22.2.
Variant type: single nucleotide variant.
Coding change: c.7716A>T on transcript NM_000038.6 (MANE Select); coding-DNA position 7716, A replaced by T.
Protein change: p.Ser2572=; no amino-acid change (serine 2572 retained).
Molecular consequence: synonymous variant. On other transcripts: non-coding transcript variant (2).
Genome position (GRCh38, 1-based): chr5:112,843,310, A>T. VCF-style: chr5-112843310-A-T. GRCh37 (hg19) VCF-style: chr5-112179007-A-T.
Other names: c.7716A>T, p.Ser2572= (NM_001127510.3, NM_001354895.2, NM_001407450.1); c.7662A>T, p.Ser2554= (NM_001127511.3); c.7770A>T, p.Ser2590= (NM_001354896.2, NM_001407447.1, NM_001407448.1 and 1 more transcripts); c.7746A>T, p.Ser2582= (NM_001354897.2); c.7641A>T, p.Ser2547= (NM_001354898.2); c.7632A>T, p.Ser2544= (NM_001354899.2); c.7593A>T, p.Ser2531= (NM_001354900.2); c.7539A>T, p.Ser2513= (NM_001354901.2, NM_001407453.1); and 11 more.
Identifiers: ClinVar variation 1760282 (VCV001760282.3), dbSNP rs912565312, ClinGen allele CA446211159.

ClinVar aggregate classification (germline): Benign/Likely benign. Review status: criteria provided, multiple submitters, no conflicts (2 of 4 stars). 2 submissions from 2 submitters: Benign (1); Likely benign (1). Last evaluated 2024-04-10.

Conditions:
Hereditary cancer-predisposing syndrome. Also called: Neoplastic Syndromes, Hereditary; Tumor predisposition; Hereditary Cancer Syndrome; Hereditary neoplastic syndrome. Identifiers: Orphanet 140162, MedGen C0027672, MeSH D009386, MONDO:0015356.
Familial adenomatous polyposis 1 (FAP1). Also called: FAMILIAL ADENOMATOUS POLYPOSIS 1, ATTENUATED; POLYPOSIS, ADENOMATOUS INTESTINAL. Identifiers: MedGen C2713442, MONDO:0021056, OMIM 175100. Disease mechanism: loss of function.

Submissions (2):

Myriad Genetics, Inc.
Classification: Benign for Familial adenomatous polyposis 1. Last evaluated: 2024-04-10. Review status: criteria provided, single submitter. Criteria: Myriad Autosomal Dominant, Autosomal Recessive and X-Linked Classification Criteria (2023). Collection method: clinical testing. Allele origin: unknown.
Comment: This variant is considered benign. This variant is a silent/synonymous amino acid change and it is not expected to impact splicing.

Ambry Genetics
Classification: Likely benign for Hereditary cancer-predisposing syndrome. Last evaluated: 2020-03-30. Review status: criteria provided, single submitter. Criteria: Ambry Variant Classification Scheme 2023. Collection method: clinical testing. Allele origin: germline.